The following is an entry in ClinVar:

ClinVar aggregate classification (germline): Uncertain significance (1 of 4 stars; one submission).

Conditions:
Familial thoracic aortic aneurysm and aortic dissection (TAAD). Also called: Thoracic aortic aneurysms and dissections. Identifiers: Orphanet 91387, MedGen C4707243, MONDO:0019625.

gnomAD v4.1: 2 of 1,613,988 alleles (0.00012%); highest among the groups gnomAD compares: South Asian, 0.0011%; no homozygotes.

Submission:

Labcorp Genetics (formerly Invitae), Labcorp
Classification: Uncertain significance for Familial thoracic aortic aneurysm and aortic dissection. Last evaluated: 2022-07-04. Review status: criteria provided, single submitter. Criteria: Invitae Variant Classification Sherloc (09022015). Collection method: clinical testing. Allele origin: germline.
Comment: In summary, the available evidence is currently insufficient to determine the role of this variant in disease. Therefore, it has been classified as a Variant of Uncertain Significance. Advanced modeling of protein sequence and biophysical properties (such as structural, functional, and spatial information, amino acid conservation, physicochemical variation, residue mobility, and thermodynamic stability) performed at Invitae indicates that this missense variant is not expected to disrupt TGFBR1 protein function. This variant has not been reported in the literature in individuals affected with TGFBR1-related conditions. This variant is not present in population databases (gnomAD no frequency). This sequence change replaces asparagine, which is neutral and polar, with histidine, which is basic and polar, at codon 102 of the TGFBR1 protein (p.Asn102His).

NM_004612.4(TGFBR1):c.304A>C (p.Asn102His)

Gene: TGFBR1 (transforming growth factor beta receptor 1; plus strand). Cytogenetic location: 9q22.33.
Variant type: single nucleotide variant.
Coding change: c.304A>C on transcript NM_004612.4 (MANE Select); coding-DNA position 304, A replaced by C.
Protein change: p.Asn102His; replaces asparagine 102 with histidine.
Molecular consequence: missense variant.
Genome position (GRCh38, 1-based): chr9:99,129,061, A>C. VCF-style: chr9-99129061-A-C. GRCh37 (hg19) VCF-style: chr9-101891343-A-C.
Other names: c.304A>C, p.Asn102His (NM_001130916.3, NM_001306210.2, NM_001407416.1 and 2 more transcripts); c.97A>C, p.Asn33His (NM_001407418.1, NM_001407419.1, NM_001407420.1 and 12 more transcripts); short protein forms N102H, N33H.
Identifiers: ClinVar variation 2013952 (VCV002013952.4), dbSNP rs769320006, ClinGen allele CA374226304.
Genomic context (GRCh38, chr9:99,129,061, plus strand): 5'-AGGCCGTTTGTATGTGCACCCTCTTCAAAAACTGGGTCTGTGACTACAACATATTGCTGC[A>C]ATCAGGACCATTGCAATAAAATAGAACTTCCAACTACTGGTAAGTTGTATAAAATTTTTT-3'
Protein context (NP_004603.1, residues 92-112): TGSVTTTYCC[Asn102His]QDHCNKIELP